The following is an entry in ClinVar:

ClinVar aggregate classification (germline): Conflicting classifications of pathogenicity. Review status: criteria provided, conflicting classifications (1 of 4 stars). 7 submissions from 7 submitters: Uncertain significance (5); Likely benign (2). Last evaluated 2025-02-16.

Conditions:
Familial adenomatous polyposis 1 (FAP1). Also called: POLYPOSIS, ADENOMATOUS INTESTINAL; FAMILIAL ADENOMATOUS POLYPOSIS 1, ATTENUATED. Identifiers: MedGen C2713442, MONDO:0021056, OMIM 175100. Disease mechanism: loss of function.
APC-Associated Polyposis Disorders.
Hereditary cancer-predisposing syndrome. Also called: Hereditary neoplastic syndrome; Neoplastic Syndromes, Hereditary; Tumor predisposition; Hereditary Cancer Syndrome. Identifiers: Orphanet 140162, MedGen C0027672, MeSH D009386, MONDO:0015356.

Allele frequency attached by ClinVar (database versions not stated): gnomAD exomes below 0.00001 and 0.00001; gnomAD 0.00001; TOPMed 0.00002.
gnomAD v4.1: 6 of 1,613,900 alleles (0.00037%); highest among the groups gnomAD compares: East Asian, 0.011%; no homozygotes.

Submissions (7):

Labcorp Genetics (formerly Invitae), Labcorp
Classification: Uncertain significance for Familial adenomatous polyposis 1. Last evaluated: 2025-02-16. Review status: criteria provided, single submitter. Criteria: Invitae Variant Classification Sherloc (09022015). Collection method: clinical testing. Allele origin: germline.
Comment: This sequence change replaces serine, which is neutral and polar, with asparagine, which is neutral and polar, at codon 2296 of the APC protein (p.Ser2296Asn). This variant is present in population databases (no rsID available, gnomAD 0.02%). This variant has not been reported in the literature in individuals affected with APC-related conditions. ClinVar contains an entry for this variant (Variation ID: 470068). Invitae Evidence Modeling of protein sequence and biophysical properties (such as structural, functional, and spatial information, amino acid conservation, physicochemical variation, residue mobility, and thermodynamic stability) indicates that this missense variant is not expected to disrupt APC protein function with a negative predictive value of 95%. In summary, the available evidence is currently insufficient to determine the role of this variant in disease. Therefore, it has been classified as a Variant of Uncertain Significance.

Color Diagnostics, LLC DBA Color Health
Classification: Likely benign for Hereditary cancer-predisposing syndrome. Last evaluated: 2024-09-20. Review status: criteria provided, single submitter. Criteria: ACMG Guidelines, 2015. Collection method: clinical testing. Allele origin: germline.

Baylor Genetics
Classification: Uncertain significance for Familial adenomatous polyposis 1. Last evaluated: 2023-12-08. Review status: criteria provided, single submitter. Criteria: ACMG Guidelines, 2015. Collection method: clinical testing. Allele origin: unknown.

Institute for Biomarker Research, Medical Diagnostic Laboratories, L.L.C.
Classification: Uncertain significance for Hereditary cancer-predisposing syndrome. Last evaluated: 2023-12-05. Review status: criteria provided, single submitter. Criteria: ACMG Guidelines, 2015. Collection method: clinical testing. Allele origin: germline.

GeneDx
Classification: Uncertain significance. Last evaluated: 2022-10-27. Review status: criteria provided, single submitter. Criteria: GeneDx Variant Classification Process June 2021. Collection method: clinical testing. Allele origin: germline. Affected: yes.
Comment: Not observed at significant frequency in large population cohorts (gnomAD); In silico analysis supports that this missense variant does not alter protein structure/function; Has not been previously published as pathogenic or benign to our knowledge; This variant is associated with the following publications: (PMID: 18199528, 32091409)

Ambry Genetics
Classification: Likely benign for Hereditary cancer-predisposing syndrome. Last evaluated: 2018-08-31. Review status: criteria provided, single submitter. Criteria: Ambry Variant Classification Scheme 2023. Collection method: clinical testing. Allele origin: germline.

Illumina Laboratory Services, Illumina
Classification: Uncertain significance for APC-Associated Polyposis Disorders. Last evaluated: 2018-01-12. Review status: criteria provided, single submitter. Criteria: ICSL Variant Classification Criteria 13 December 2019. Collection method: clinical testing. Allele origin: germline.

NM_000038.6(APC):c.6887G>A (p.Ser2296Asn)

Gene: APC (APC regulator of Wnt signaling pathway; plus strand). Cytogenetic location: 5q22.2.
Variant type: single nucleotide variant.
Coding change: c.6887G>A on transcript NM_000038.6 (MANE Select); coding-DNA position 6887, G replaced by A.
Protein change: p.Ser2296Asn; replaces serine 2296 with asparagine.
Molecular consequence: missense variant.
Genome position (GRCh38, 1-based): chr5:112,842,481, G>A. VCF-style: chr5-112842481-G-A. GRCh37 (hg19) VCF-style: chr5-112178178-G-A.
Other names: c.6887G>A, p.Ser2296Asn (NM_001127510.3, NM_001354895.2); c.6833G>A, p.Ser2278Asn (NM_001127511.3); c.6941G>A, p.Ser2314Asn (NM_001354896.2); c.6917G>A, p.Ser2306Asn (NM_001354897.2); c.6812G>A, p.Ser2271Asn (NM_001354898.2); c.6803G>A, p.Ser2268Asn (NM_001354899.2); c.6764G>A, p.Ser2255Asn (NM_001354900.2); c.6710G>A, p.Ser2237Asn (NM_001354901.2); and 5 more; short protein forms S2296N, S2278N, S2237N, S2314N, S2136N, S2170N, S2268N, S2205N.
Identifiers: ClinVar variation 470068 (VCV000470068.22), dbSNP rs919611781, ClinGen allele CA16036358.
Genomic context (GRCh38, chr5:112,842,481, plus strand): 5'-CATCTGTGAAATCAGAATTAAGCCCTGTTGCCAGGCAGACATCCCAAATAGGTGGGTCAA[G>A]TAAAGCACCTTCTAGATCAGGATCTAGAGATTCGACCCCTTCAAGACCTGCCCAGCAACC-3'
Protein context (NP_000029.2, residues 2286-2306): ARQTSQIGGS[Ser2296Asn]KAPSRSGSRD